The following is an entry in ClinVar:

ClinVar aggregate classification (germline): Uncertain significance (1 of 4 stars; one submission).

Conditions:
Congenital myasthenic syndrome 8. Also called: Myasthenic syndrome, congenital, 8, with pre- and postsynaptic defects; MYASTHENIC SYNDROME, CONGENITAL, DUE TO AGRIN DEFICIENCY. Identifiers: Orphanet 590, MedGen C3808739, MONDO:0014052, OMIM 615120.

Allele frequency attached by ClinVar (database versions not stated): TOPMed below 0.00001; gnomAD 0.00001.
gnomAD v4.1: 1 of 1,613,188 alleles (0.000062%); highest among the groups gnomAD compares: African/African-American, 0.0013%; no homozygotes.

Submission:

Labcorp Genetics (formerly Invitae), Labcorp
Classification: Uncertain significance for Congenital myasthenic syndrome 8. Last evaluated: 2021-01-02. Review status: criteria provided, single submitter. Criteria: Invitae Variant Classification Sherloc (09022015). Collection method: clinical testing. Allele origin: germline.
Comment: In summary, the available evidence is currently insufficient to determine the role of this variant in disease. Therefore, it has been classified as a Variant of Uncertain Significance. Algorithms developed to predict the effect of missense changes on protein structure and function are either unavailable or do not agree on the potential impact of this missense change (SIFT: "Deleterious"; PolyPhen-2: "Possibly Damaging"; Align-GVGD: "Class C0"). This variant has not been reported in the literature in individuals with AGRN-related conditions. This variant is not present in population databases (ExAC no frequency). This sequence change replaces cysteine with tyrosine at codon 669 of the AGRN protein (p.Cys669Tyr). The cysteine residue is highly conserved and there is a large physicochemical difference between cysteine and tyrosine.

NM_198576.4(AGRN):c.2006G>A (p.Cys669Tyr)

Gene: AGRN (agrin; plus strand). Cytogenetic location: 1p36.33.
Variant type: single nucleotide variant.
Coding change: c.2006G>A on transcript NM_198576.4 (MANE Select); coding-DNA position 2006, G replaced by A.
Protein change: p.Cys669Tyr; replaces cysteine 669 with tyrosine.
Molecular consequence: missense variant.
Genome position (GRCh38, 1-based): chr1:1,044,115, G>A. VCF-style: chr1-1044115-G-A. GRCh37 (hg19) VCF-style: chr1-979495-G-A.
Other names: c.2006G>A, p.Cys669Tyr (NM_001305275.2); c.1691G>A, p.Cys564Tyr (NM_001364727.2); short protein forms C564Y, C669Y.
Identifiers: ClinVar variation 1406123 (VCV001406123.8), dbSNP rs1196333702, ClinGen allele CA337835816.